The following is an entry in ClinVar:

ClinVar aggregate classification (germline): Uncertain significance (1 of 4 stars; one submission).

Allele frequency attached by ClinVar (database versions not stated): gnomAD exomes below 0.00001 and 0.00001; gnomAD 0.00001; TOPMed 0.00001.
gnomAD v4.1: 3 of 1,613,346 alleles (0.00019%); highest among the groups gnomAD compares: Admixed American, 0.005%; no homozygotes.

Submission:

Labcorp Genetics (formerly Invitae), Labcorp
Classification: Uncertain significance. Last evaluated: 2024-07-04. Review status: criteria provided, single submitter. Criteria: Invitae Variant Classification Sherloc (09022015). Collection method: clinical testing. Allele origin: germline.
Comment: This sequence change falls in intron 21 of the ARHGEF1 gene. It does not directly change the encoded amino acid sequence of the ARHGEF1 protein. It affects a nucleotide within the consensus splice site. This variant is present in population databases (no rsID available, gnomAD 0.006%). This variant has not been reported in the literature in individuals affected with ARHGEF1-related conditions. ClinVar contains an entry for this variant (Variation ID: 1352417). Variants that disrupt the consensus splice site are a relatively common cause of aberrant splicing (PMID: 17576681, 9536098). Algorithms developed to predict the effect of sequence changes on RNA splicing suggest that this variant is not likely to affect RNA splicing. In summary, the available evidence is currently insufficient to determine the role of this variant in disease. Therefore, it has been classified as a Variant of Uncertain Significance.

Literature cited by the submitters: PubMed 17576681; PubMed 9536098.

NM_004706.4(ARHGEF1):c.1994-3T>C

Gene: ARHGEF1 (Rho guanine nucleotide exchange factor 1; plus strand). Cytogenetic location: 19q13.2.
Variant type: single nucleotide variant.
Coding change: c.1994-3T>C on transcript NM_004706.4 (MANE Select); 3 bases into the intron before coding-DNA position 1994, T replaced by C.
Molecular consequence: intron variant.
Genome position (GRCh38, 1-based): chr19:41,904,213, T>C. VCF-style: chr19-41904213-T-C. GRCh37 (hg19) VCF-style: chr19-42408365-T-C.
Other names: c.1895-3T>C (NM_198977.2); c.2039-3T>C (NM_199002.2).
Identifiers: ClinVar variation 1352417 (VCV001352417.6), dbSNP rs1555849641, ClinGen allele CA633471312.